The following is an entry in ClinVar:

ClinVar aggregate classification (germline): Pathogenic/Likely pathogenic. Review status: criteria provided, multiple submitters, no conflicts (2 of 4 stars). 3 submissions from 3 submitters: Pathogenic (2); Likely pathogenic (1). Last evaluated 2024-12-05.

Conditions:
Cardiovascular phenotype. Identifiers: MedGen CN230736.
Arrhythmogenic right ventricular dysplasia 8 (ARVD8). Also called: ARRHYTHMOGENIC RIGHT VENTRICULAR DYSPLASIA, FAMILIAL, 8; ARRHYTHMOGENIC RIGHT VENTRICULAR CARDIOMYOPATHY 8; Arrhythmogenic Right Ventricular Dysplasia/Cardiomyopathy 8. Identifiers: MedGen C1843896, MONDO:0011831, OMIM 607450.
Arrhythmogenic cardiomyopathy with wooly hair and keratoderma. Also called: Carvajal syndrome; PALMOPLANTAR KERATODERMA WITH LEFT VENTRICULAR CARDIOMYOPATHY AND WOOLLY HAIR; Dilated cardiomyopathy with woolly hair and keratoderma; Arrhythmogenic cardiomyopathy with woolly hair and keratoderma. Identifiers: Orphanet 65282, MedGen C1854063, MONDO:0011581, OMIM 605676.
Primary dilated cardiomyopathy (DCM). Also called: Dilated Cardiomyopathy. Identifiers: Orphanet 217604, MedGen C0007193, MeSH D002311, MONDO:0005021, HP:0001644. Inheritance: Various modes of inheritance.

Submissions (3):

Ambry Genetics
Classification: Pathogenic for Cardiovascular phenotype. Last evaluated: 2024-12-05. Review status: criteria provided, single submitter. Criteria: Ambry Variant Classification Scheme 2023. Collection method: clinical testing. Allele origin: germline.
Comment: The p.Q1335* pathogenic mutation (also known as c.4003C>T), located in coding exon 23 of the DSP gene, results from a C to T substitution at nucleotide position 4003. This changes the amino acid from a glutamine to a stop codon within coding exon 23. This variant was reported in individual(s) with features consistent with DSP-related cardiomyopathy (Gasperetti A et al. JACC Adv, 2024 Mar;3:100832; Sanford CB et al. Ochsner J, 2024;24:62-66). This variant is considered to be rare based on population cohorts in the Genome Aggregation Database (gnomAD). This alteration is expected to result in loss of function by premature protein truncation or nonsense-mediated mRNA decay. As such, this alteration is interpreted as a disease-causing mutation.

Labcorp Genetics (formerly Invitae), Labcorp
Classification: Pathogenic for Arrhythmogenic cardiomyopathy with wooly hair and keratoderma; Arrhythmogenic right ventricular dysplasia 8. Last evaluated: 2022-12-13. Review status: criteria provided, single submitter. Criteria: Invitae Variant Classification Sherloc (09022015). Collection method: clinical testing. Allele origin: germline.
Comment: This variant is not present in population databases (gnomAD no frequency). This sequence change creates a premature translational stop signal (p.Gln1335*) in the DSP gene. It is expected to result in an absent or disrupted protein product. Loss-of-function variants in DSP are known to be pathogenic (PMID: 20716751, 24503780, 25227139). This premature translational stop signal has been observed in individual(s) with clinical features of DSP-related conditions (PMID: 27353043). ClinVar contains an entry for this variant (Variation ID: 253001). For these reasons, this variant has been classified as Pathogenic.

Center of Genomic medicine, Geneva, University Hospital of Geneva
Classification: Likely pathogenic for Primary dilated cardiomyopathy. Last evaluated: 2015-07-30. Review status: criteria provided, single submitter. Criteria: ACMG Guidelines, 2015. Collection method: clinical testing. Allele origin: germline. Affected: yes. Study: Final Reports_Cases2015_1.

Literature cited by the submitters: PubMed 38510230 (cited by Ambry Genetics); PubMed 38938828 (cited by Ambry Genetics); PubMed 20716751 (cited by Labcorp Genetics (formerly Invitae), Labcorp); PubMed 24503780 (cited by Labcorp Genetics (formerly Invitae), Labcorp); PubMed 25227139 (cited by Labcorp Genetics (formerly Invitae), Labcorp); PubMed 27353043 (cited by Labcorp Genetics (formerly Invitae), Labcorp).

NM_004415.4(DSP):c.4003C>T (p.Gln1335Ter)

Gene: DSP (desmoplakin; plus strand). Cytogenetic location: 6p24.3.
Variant type: single nucleotide variant.
Coding change: c.4003C>T on transcript NM_004415.4 (MANE Select); coding-DNA position 4003, C replaced by T.
Protein change: p.Gln1335Ter; replaces glutamine 1335 with a stop codon.
Molecular consequence: nonsense. On other transcripts: intron variant (1).
Genome position (GRCh38, 1-based): chr6:7,580,193, C>T. VCF-style: chr6-7580193-C-T. GRCh37 (hg19) VCF-style: chr6-7580426-C-T.
Other names: c.4003C>T, p.Gln1335Ter (NM_001319034.2); c.3582+421C>T (NM_001008844.3); c.4003C>T (LRG_423t1); short protein forms Q1335*.
Identifiers: ClinVar variation 253001 (VCV000253001.8), dbSNP rs879255521, ClinGen allele CA10586152.
Genomic context (GRCh38, chr6:7,580,193, plus strand): 5'-GAGGCTGCCAAGACCATTCAGGACAAAAATAAGGAGATCGAGAGACTCAAAGCTGAGTTT[C>T]AGGAGGAGGCCAAGCGCCGCTGGGAATATGAAAATGAACTGAGTAAGGTAAGAAACAATT-3'